The following is an entry in ClinVar:

NM_000038.6(APC):c.6510A>G (p.Pro2170=)

Gene: APC (APC regulator of Wnt signaling pathway; plus strand). Cytogenetic location: 5q22.2.
Variant type: single nucleotide variant.
Coding change: c.6510A>G on transcript NM_000038.6 (MANE Select); coding-DNA position 6510, A replaced by G.
Protein change: p.Pro2170=; no amino-acid change (proline 2170 retained).
Molecular consequence: synonymous variant.
Genome position (GRCh38, 1-based): chr5:112,842,104, A>G. VCF-style: chr5-112842104-A-G. GRCh37 (hg19) VCF-style: chr5-112177801-A-G.
Other names: c.6510A>G, p.Pro2170= (NM_001127510.3, NM_001354895.2); c.6456A>G, p.Pro2152= (NM_001127511.3); c.6564A>G, p.Pro2188= (NM_001354896.2); c.6540A>G, p.Pro2180= (NM_001354897.2); c.6435A>G, p.Pro2145= (NM_001354898.2); c.6426A>G, p.Pro2142= (NM_001354899.2); c.6387A>G, p.Pro2129= (NM_001354900.2); c.6333A>G, p.Pro2111= (NM_001354901.2); and 5 more.
Identifiers: ClinVar variation 929145 (VCV000929145.10), dbSNP rs138571760, ClinGen allele CA446210644.

ClinVar aggregate classification (germline): Benign/Likely benign. Review status: criteria provided, multiple submitters, no conflicts (2 of 4 stars). 3 submissions from 3 submitters: Benign (1); Likely benign (2). Last evaluated 2025-07-14.

Conditions:
Familial adenomatous polyposis 1 (FAP1). Also called: FAMILIAL ADENOMATOUS POLYPOSIS 1, ATTENUATED; POLYPOSIS, ADENOMATOUS INTESTINAL. Identifiers: MedGen C2713442, MONDO:0021056, OMIM 175100. Disease mechanism: loss of function.

Submissions (3):

Labcorp Genetics (formerly Invitae), Labcorp
Classification: Likely benign for Familial adenomatous polyposis 1. Last evaluated: 2025-07-14. Review status: criteria provided, single submitter. Criteria: Invitae Variant Classification Sherloc (09022015). Collection method: clinical testing. Allele origin: germline.

Myriad Genetics, Inc.
Classification: Benign for Familial adenomatous polyposis 1. Last evaluated: 2024-04-04. Review status: criteria provided, single submitter. Criteria: Myriad Autosomal Dominant, Autosomal Recessive and X-Linked Classification Criteria (2023). Collection method: clinical testing. Allele origin: unknown.
Comment: This variant is considered benign. This variant is a silent/synonymous amino acid change and it is not expected to impact splicing.

Women's Health and Genetics/Laboratory Corporation of America, LabCorp
Classification: Likely benign. Last evaluated: 2019-06-17. Review status: criteria provided, single submitter. Criteria: LabCorp Variant Classification Summary - May 2015. Collection method: clinical testing. Allele origin: germline.
Comment: Variant summary: APC c.6510A>G alters a non-conserved nucleotide resulting in a synonymous change (p.P2170P). 5/5 computational tools predict no significant impact on normal splicing. However, these predictions have yet to be confirmed by functional studies. The variant was absent in 249308 control chromosomes (gnomAD). The available data on variant occurrences in the general population are insufficient to allow any conclusion about variant significance. p.P2170P has been reported in the literature in an individual affected with Familial Adenomatous Polyposis (de Leon_2013). This report does not provide an unequivocal conclusion about association of the variant with Familial Adenomatous Polyposis. Another variant at the same nucleotide position which causes a different nucleotide change (c.6510A>C) but results in the same effect at the amino acid level (i.e. p.P2170P), has been classified as Benign by our laboratory. To our knowledge, no experimental evidence demonstrating an impact on protein function has been reported. No clinical diagnostic laboratories have submitted clinical-significance assessments for this variant to ClinVar after 2014. Based on the evidence outlined above, the variant was classified as likely benign.

Literature cited by the submitters: PubMed 22976915 (cited by Women's Health and Genetics/Laboratory Corporation of America, LabCorp).